The following is an entry in ClinVar:

NM_177438.3(DICER1):c.5522T>C (p.Leu1841Pro)

Gene: DICER1 (dicer 1, ribonuclease III; minus strand). Cytogenetic location: 14q32.13.
Variant type: single nucleotide variant.
Coding change: c.5522T>C on transcript NM_177438.3 (MANE Select); coding-DNA position 5522, T replaced by C.
Protein change: p.Leu1841Pro; replaces leucine 1841 with proline.
Molecular consequence: missense variant. On other transcripts: non-coding transcript variant (6), intron variant (1).
Genome position (GRCh38, 1-based): chr14:95,091,208, A>G on the plus strand (T>C on the coding strand, the complement: DICER1 is on the minus strand). VCF-style: chr14-95091208-A-G. GRCh37 (hg19) VCF-style: chr14-95557545-A-G.
Other names: c.5522T>C, p.Leu1841Pro (NM_001271282.3, NM_001291628.2, NM_001395677.1 and 8 more transcripts); c.5240T>C, p.Leu1747Pro (NM_001395686.1); c.5117T>C, p.Leu1706Pro (NM_001395687.1, NM_001395688.1, NM_001395689.1 and 1 more transcripts); c.4955T>C, p.Leu1652Pro (NM_001395691.1); c.3839T>C, p.Leu1280Pro (NM_001395697.1); c.5365-99T>C (NM_001195573.1); short protein forms L1280P, L1652P, L1706P, L1747P, L1841P.
Identifiers: ClinVar variation 2125885 (VCV002125885.4), dbSNP rs754642180, ClinGen allele CA7330654.

ClinVar aggregate classification (germline): Uncertain significance (1 of 4 stars; one submission).

Conditions:
DICER1-related tumor predisposition. Also called: DICER1 syndrome; DICER1-related pleuropulmonary blastoma cancer predisposition syndrome. Identifiers: Orphanet 284343, MedGen C3839822, MONDO:0100216.

Allele frequency attached by ClinVar (database versions not stated): gnomAD exomes below 0.00001; ExAC 0.00001.
gnomAD v4.1: 1 of 1,614,186 alleles (0.000062%); highest among the groups gnomAD compares: Non-Finnish European, 0.000085%; no homozygotes.

Submission:

Labcorp Genetics (formerly Invitae), Labcorp
Classification: Uncertain significance for DICER1-related tumor predisposition. Last evaluated: 2022-04-13. Review status: criteria provided, single submitter. Criteria: Invitae Variant Classification Sherloc (09022015). Collection method: clinical testing. Allele origin: germline.
Comment: This sequence change replaces leucine, which is neutral and non-polar, with proline, which is neutral and non-polar, at codon 1841 of the DICER1 protein (p.Leu1841Pro). This variant is present in population databases (rs754642180, gnomAD 0.0009%). This variant has not been reported in the literature in individuals affected with DICER1-related conditions. In summary, the available evidence is currently insufficient to determine the role of this variant in disease. Therefore, it has been classified as a Variant of Uncertain Significance. Algorithms developed to predict the effect of missense changes on protein structure and function are either unavailable or do not agree on the potential impact of this missense change (SIFT: "Tolerated"; PolyPhen-2: "Probably Damaging"; Align-GVGD: "Class C0").